The following is an entry in ClinVar:

NM_006231.4(POLE):c.161A>G (p.Lys54Arg)

Gene: POLE (DNA polymerase epsilon, catalytic subunit; minus strand). Cytogenetic location: 12q24.33.
Variant type: single nucleotide variant.
Coding change: c.161A>G on transcript NM_006231.4 (MANE Select); coding-DNA position 161, A replaced by G.
Protein change: p.Lys54Arg; replaces lysine 54 with arginine.
Molecular consequence: missense variant.
Genome position (GRCh38, 1-based): chr12:132,681,181, T>C on the plus strand (A>G on the coding strand, the complement: POLE is on the minus strand). VCF-style: chr12-132681181-T-C. GRCh37 (hg19) VCF-style: chr12-133257767-T-C.
Other names: short protein forms K54R.
Identifiers: ClinVar variation 2918941 (VCV002918941.3), dbSNP rs2136033941, ClinGen allele CA387369899.

ClinVar aggregate classification (germline): Uncertain significance (1 of 4 stars; one submission).

Submission:

Labcorp Genetics (formerly Invitae), Labcorp
Classification: Uncertain significance. Last evaluated: 2025-06-02. Review status: criteria provided, single submitter. Criteria: Invitae Variant Classification Sherloc (09022015). Collection method: clinical testing. Allele origin: germline.
Comment: This sequence change replaces lysine, which is basic and polar, with arginine, which is basic and polar, at codon 54 of the POLE protein (p.Lys54Arg). This variant is not present in population databases (gnomAD no frequency). This variant has not been reported in the literature in individuals affected with POLE-related conditions. ClinVar contains an entry for this variant (Variation ID: 2918941). Invitae Evidence Modeling of protein sequence and biophysical properties (such as structural, functional, and spatial information, amino acid conservation, physicochemical variation, residue mobility, and thermodynamic stability) indicates that this missense variant is not expected to disrupt POLE protein function with a negative predictive value of 80%. In summary, the available evidence is currently insufficient to determine the role of this variant in disease. Therefore, it has been classified as a Variant of Uncertain Significance.